The following is an entry in ClinVar:

NM_000261.2(MYOC):c.1160G>A (p.Gly387Asp)

Gene: MYOC (myocilin; minus strand). Cytogenetic location: 1q24.3.
Variant type: single nucleotide variant.
Coding change: c.1160G>A on transcript NM_000261.2 (MANE Select); coding-DNA position 1160, G replaced by A.
Protein change: p.Gly387Asp; replaces glycine 387 with aspartic acid.
Molecular consequence: missense variant.
Genome position (GRCh38, 1-based): chr1:171,636,280, C>T on the plus strand (G>A on the coding strand, the complement: MYOC is on the minus strand). VCF-style: chr1-171636280-C-T. GRCh37 (hg19) VCF-style: chr1-171605420-C-T.
Other names: NM_000261.2:c.1160G>A; short protein forms G387D.
Identifiers: ClinVar variation 2505287 (VCV002505287.4), dbSNP rs749960559, ClinGen allele CA1244072.

ClinVar aggregate classification (germline): Likely pathogenic. Review status: reviewed by expert panel (3 of 4 stars). 2 submissions from 2 submitters: Likely pathogenic (1). 1 of the submissions does not count toward it. Last evaluated 2026-02-18.

Conditions:
Open-angle glaucoma. Identifiers: MedGen C0017612, MONDO:0005338, HP:0012108.
Glaucoma 1, open angle, A (GLC1A). Also called: Glaucoma, Dominant (Juvenile Onset). Identifiers: Orphanet 98977, MedGen C1842028, MONDO:0007664, OMIM 137750.

Allele frequency attached by ClinVar (database versions not stated): ExAC 0.00002.
gnomAD v4.1: 6 of 1,614,130 alleles (0.00037%); highest among the groups gnomAD compares: East Asian, 0.0045%; no homozygotes.

Submissions (2):

ClinGen Glaucoma Variant Curation Expert Panel
Classification: Likely pathogenic for Open-angle glaucoma. Last evaluated: 2026-02-18. Review status: reviewed by expert panel. Criteria: ClinGen Glaucoma ACMG Specifications V2.0.0 Approved. Collection method: curation. Allele origin: germline. Inheritance: Autosomal dominant inheritance.
Comment: The c.1160G>A variant in MYOC is a missense variant predicted to cause substitution of Glycine by Aspartic Acid at amino acid 387 (p.Gly387Asp). The highest minor allele frequency of this variant was in the East Asian genetic ancestry group of gnomAD (v4.1.0) = 0.00004455 (2 alleles out of 44,890), which met the ≤ 0.0001 threshold set for PM2_Supporting in a genetic ancestry group of at least 10,000 alleles. The REVEL score = 0.958, which met the ≥ 0.932 threshold for PP3_Strong, predicting a damaging effect on MYOC function. There was no functional evidence predicting a damaging or benign impact of this variant on MYOC function. 2 probands with primary open angle glaucoma have been reported carrying this variant (PMID: 24825108), which met PS4_Supporting (≥ 2 probands). In summary, this variant met the criteria to receive a score of 6 and to be classified as likely pathogenic (likely pathogenic classification range 6 to 9, adapted from PMID: 32720330) for primary open angle glaucoma based on the ACMG/AMP criteria met, as specified by the ClinGen Glaucoma VCEP (v2.0.0, 5 Dec 2024): PP3_Strong, PS4_Supporting, PM2_Supporting

Juno Genomics, Hangzhou Juno Genomics, Inc
Classification: Likely pathogenic for Glaucoma 1, open angle, A. Review status: criteria provided, single submitter. Criteria: ACMG Guidelines, 2015. Collection method: clinical testing. Allele origin: germline. Not counted in ClinVar's aggregate classification.
Comment: Absent from controls (or at extremely low frequency if recessive) in Genome Aggregation Database.;Multiple lines of computational evidence support a deleterious effect on the gene or gene product.;The prevalence of the variant in affected individuals is significantly increased compared to the prevalence in controls.